The following is an entry in ClinVar:

ClinVar aggregate classification (germline): Uncertain significance. Review status: criteria provided, multiple submitters, no conflicts (2 of 4 stars). 4 submissions from 4 submitters: Uncertain significance (3). 1 of the submissions does not count toward it. Last evaluated 2025-05-11.

Conditions:
Congenital disorder of glycosylation, type IIw. Identifiers: MedGen C5561986, MONDO:0030437, OMIM 619525.
Glucose-6-phosphate transport defect (GSD1B). Also called: Glycogen Storage Disease Type Ib; GSD Ib. Identifiers: Orphanet 364, Orphanet 79259, MedGen C0268146, MONDO:0009288, OMIM 232220.
Phosphate transport defect (GSD1C). Also called: GLYCOGEN STORAGE DISEASE Ic; GSD Ic. Identifiers: Orphanet 364, Orphanet 79259, MedGen C0342749, OMIM 232240.

Allele frequency attached by ClinVar (database versions not stated): gnomAD 0.00010; TOPMed 0.00015.

Submissions (4):

Labcorp Genetics (formerly Invitae), Labcorp
Classification: Uncertain significance for Glucose-6-phosphate transport defect. Last evaluated: 2025-05-11. Review status: criteria provided, single submitter. Criteria: Invitae Variant Classification Sherloc (09022015). Collection method: clinical testing. Allele origin: germline.
Comment: This sequence change replaces arginine, which is basic and polar, with glutamine, which is neutral and polar, at codon 319 of the SLC37A4 protein (p.Arg319Gln). This variant is present in population databases (rs782703235, gnomAD 0.04%). This variant has not been reported in the literature in individuals affected with SLC37A4-related conditions. ClinVar contains an entry for this variant (Variation ID: 215179). Invitae Evidence Modeling of protein sequence and biophysical properties (such as structural, functional, and spatial information, amino acid conservation, physicochemical variation, residue mobility, and thermodynamic stability) indicates that this missense variant is not expected to disrupt SLC37A4 protein function with a negative predictive value of 80%. Algorithms developed to predict the effect of sequence changes on RNA splicing suggest that this variant may disrupt the consensus splice site. In summary, the available evidence is currently insufficient to determine the role of this variant in disease. Therefore, it has been classified as a Variant of Uncertain Significance.

Fulgent Genetics
Classification: Uncertain significance for Glucose-6-phosphate transport defect; Phosphate transport defect; Congenital disorder of glycosylation, type IIw. Last evaluated: 2022-04-13. Review status: criteria provided, single submitter. Criteria: ACMG Guidelines, 2015. Collection method: clinical testing. Allele origin: unknown.

GeneDx
Classification: Uncertain significance. Last evaluated: 2015-01-09. Review status: criteria provided, single submitter. Criteria: GeneDx Variant Classification (06012015). Collection method: clinical testing. Allele origin: germline. Affected: yes.
Comment: p.Arg319Gln (CGG>CAG): c.956 G>A in exon 8 of the SLC37A4 gene (NM_001164277.1 ) The R319Q variant in the SLC37A4 gene is of unknown significance.The R319Q variant has not been published as a mutation, nor has it been reported as a benign polymorphism to our knowledge. Mutations in the SLC37A4 gene are associated with the autosomal recessive disorders glycogen storage disease Ib and Ic. The R319Q variant is a semi-conservative amino acid substitution, which may impact secondary protein structure as these residues differ in some properties. This substitution occurs at a position that is conserved across species. In silico analysis predicts this variant likely does not alter the protein structure/function. Therefore, based on the currently available information, it is unclear whether this variant is a pathogenic mutation or a rare benign variant. The variant is found in MITONUC-MITOP panel(s).

Natera, Inc.
Classification: Uncertain significance for Glycogen storage disease type Ib. Last evaluated: 2019-11-11. Review status: no assertion criteria provided. Collection method: clinical testing. Allele origin: germline. Not counted in ClinVar's aggregate classification.

NM_001164277.2(SLC37A4):c.956G>A (p.Arg319Gln)

Gene: SLC37A4 (solute carrier family 37 member 4; minus strand). Cytogenetic location: 11q23.3.
Variant type: single nucleotide variant.
Coding change: c.956G>A on transcript NM_001164277.2 (MANE Select); coding-DNA position 956, G replaced by A.
Protein change: p.Arg319Gln; replaces arginine 319 with glutamine.
Molecular consequence: missense variant.
Genome position (GRCh38, 1-based): chr11:119,025,995, C>T on the plus strand (G>A on the coding strand, the complement: SLC37A4 is on the minus strand). VCF-style: chr11-119025995-C-T. GRCh37 (hg19) VCF-style: chr11-118896705-C-T.
Other names: c.956G>A, p.Arg319Gln (NM_001164278.2, NM_001164280.2, NM_001467.6); c.737G>A, p.Arg246Gln (NM_001164279.2); short protein forms R319Q, R246Q.
Identifiers: ClinVar variation 215179 (VCV000215179.8), dbSNP rs782703235, ClinGen allele CA324979.